The following is an entry in ClinVar:

ClinVar aggregate classification (germline): Uncertain significance. Review status: criteria provided, multiple submitters, no conflicts (2 of 4 stars). 4 submissions from 4 submitters: Uncertain significance (4). Last evaluated 2025-09-10.

Conditions:
Developmental and epileptic encephalopathy, 42 (DEE42A). Also called: DEVELOPMENTAL AND EPILEPTIC ENCEPHALOPATHY 42A; EPILEPTIC ENCEPHALOPATHY, EARLY INFANTILE, 42A; Epileptic encephalopathy, early infantile, 42. Identifiers: MedGen C4310716, MONDO:0014917, OMIM 617106.
Episodic ataxia type 2 (EA2). Also called: ATAXIA, EPISODIC, WITH NYSTAGMUS; ATAXIA, FAMILIAL PAROXYSMAL; CEREBELLAR ATAXIA, PAROXYSMAL, ACETAZOLAMIDE-RESPONSIVE; CEREBELLOPATHY, HEREDITARY PAROXYSMAL; EPISODIC ATAXIA, NYSTAGMUS-ASSOCIATED; ACETAZOLAMIDE-RESPONSIVE HEREDITARY PAROXYSMAL CEREBELLAR ATAXIA. Identifiers: Orphanet 97, MedGen C1720416, MONDO:0007163, OMIM 108500.
Inborn genetic diseases. Identifiers: MedGen C0950123, MeSH D030342.

Allele frequency attached by ClinVar (database versions not stated): gnomAD 0.00001; gnomAD exomes 0.00001; TOPMed 0.00001.
gnomAD v4.1: 8 of 1,540,668 alleles (0.00052%); highest among the groups gnomAD compares: Non-Finnish European, 0.00071%; no homozygotes.

Submissions (4):

Ambry Genetics
Classification: Uncertain significance for Inborn genetic diseases. Last evaluated: 2025-09-10. Review status: criteria provided, single submitter. Criteria: Ambry Variant Classification Scheme 2023. Collection method: clinical testing. Allele origin: germline.

Labcorp Genetics (formerly Invitae), Labcorp
Classification: Uncertain significance for Developmental and epileptic encephalopathy, 42; Episodic ataxia type 2. Last evaluated: 2023-10-03. Review status: criteria provided, single submitter. Criteria: Invitae Variant Classification Sherloc (09022015). Collection method: clinical testing. Allele origin: germline.
Comment: This sequence change replaces tyrosine, which is neutral and polar, with cysteine, which is neutral and slightly polar, at codon 521 of the CACNA1A protein (p.Tyr521Cys). This variant is present in population databases (no rsID available, gnomAD 0.002%). This variant has not been reported in the literature in individuals affected with CACNA1A-related conditions. This missense change has been observed in at least one individual who was not affected with CACNA1A-related conditions (Invitae). ClinVar contains an entry for this variant (Variation ID: 265063). Advanced modeling of protein sequence and biophysical properties (such as structural, functional, and spatial information, amino acid conservation, physicochemical variation, residue mobility, and thermodynamic stability) performed at Invitae indicates that this missense variant is expected to disrupt CACNA1A protein function. In summary, the available evidence is currently insufficient to determine the role of this variant in disease. Therefore, it has been classified as a Variant of Uncertain Significance.

CeGaT Center for Human Genetics Tuebingen
Classification: Uncertain significance. Last evaluated: 2023-05-01. Review status: criteria provided, single submitter. Criteria: CeGaT Center For Human Genetics Tuebingen Variant Classification Criteria Version 2. Collection method: clinical testing. Allele origin: germline. Affected: yes. Observed: 1 variant allele.
Comment: CACNA1A: PP2, PP3

GeneDx
Classification: Uncertain significance. Last evaluated: 2019-07-29. Review status: criteria provided, single submitter. Criteria: GeneDx Variant Classification Process June 2021. Collection method: clinical testing. Allele origin: germline. Affected: yes.
Comment: Not observed at a significant frequency in large population cohorts (Lek et al., 2016); In silico analysis, which includes protein predictors and evolutionary conservation, supports a deleterious effect; Has not been previously published as pathogenic or benign to our knowledge

NM_001127222.2(CACNA1A):c.1559A>G (p.Tyr520Cys)

Gene: CACNA1A (calcium voltage-gated channel subunit alpha1 A; minus strand). Cytogenetic location: 19p13.13.
Variant type: single nucleotide variant.
Coding change: c.1559A>G on transcript NM_001127222.2 (MANE Select); coding-DNA position 1559, A replaced by G.
Protein change: p.Tyr520Cys; replaces tyrosine 520 with cysteine.
Molecular consequence: missense variant.
Genome position (GRCh38, 1-based): chr19:13,312,778, T>C on the plus strand (A>G on the coding strand, the complement: CACNA1A is on the minus strand). VCF-style: chr19-13312778-T-C. GRCh37 (hg19) VCF-style: chr19-13423592-T-C.
Other names: c.1562A>G, p.Tyr521Cys (NM_000068.4, NM_001127221.2, NM_001174080.2 and 1 more transcripts); short protein forms Y521C, Y520C.
Identifiers: ClinVar variation 265063 (VCV000265063.37), dbSNP rs886039322, ClinGen allele CA10588684.